The following is an entry in ClinVar:

NM_000215.4(JAK3):c.425G>T (p.Arg142Leu)

Gene: JAK3 (Janus kinase 3; minus strand). Cytogenetic location: 19p13.11.
Variant type: single nucleotide variant.
Coding change: c.425G>T on transcript NM_000215.4 (MANE Select); coding-DNA position 425, G replaced by T.
Protein change: p.Arg142Leu; replaces arginine 142 with leucine.
Molecular consequence: missense variant.
Genome position (GRCh38, 1-based): chr19:17,843,168, C>A on the plus strand (G>T on the coding strand, the complement: JAK3 is on the minus strand). VCF-style: chr19-17843168-C-A. GRCh37 (hg19) VCF-style: chr19-17953977-C-A.
Other names: short protein forms R142L.
Identifiers: ClinVar variation 2073654 (VCV002073654.3), dbSNP rs964736085, ClinGen allele CA404773443.

ClinVar aggregate classification (germline): Uncertain significance (1 of 4 stars; one submission).

Conditions:
T-B+ severe combined immunodeficiency due to JAK3 deficiency. Also called: SCID, autosomal recessive, T-negative/B-positive type; SCID, T CELL-NEGATIVE, B CELL-POSITIVE, NK CELL-NEGATIVE. Identifiers: Orphanet 35078, MedGen C1833275, MONDO:0010938, OMIM 600802.

gnomAD v4.1: 2 of 1,603,486 alleles (0.00012%); highest among the groups gnomAD compares: African/African-American, 0.0013%; no homozygotes.

Submission:

Labcorp Genetics (formerly Invitae), Labcorp
Classification: Uncertain significance for T-B+ severe combined immunodeficiency due to JAK3 deficiency. Last evaluated: 2024-11-18. Review status: criteria provided, single submitter. Criteria: Invitae Variant Classification Sherloc (09022015). Collection method: clinical testing. Allele origin: germline.
Comment: This sequence change replaces arginine, which is basic and polar, with leucine, which is neutral and non-polar, at codon 142 of the JAK3 protein (p.Arg142Leu). This variant is not present in population databases (gnomAD no frequency). This variant has not been reported in the literature in individuals affected with JAK3-related conditions. ClinVar contains an entry for this variant (Variation ID: 2073654). Invitae Evidence Modeling of protein sequence and biophysical properties (such as structural, functional, and spatial information, amino acid conservation, physicochemical variation, residue mobility, and thermodynamic stability) has been performed for this missense variant. However, the output from this modeling did not meet the statistical confidence thresholds required to predict the impact of this variant on JAK3 protein function. In summary, the available evidence is currently insufficient to determine the role of this variant in disease. Therefore, it has been classified as a Variant of Uncertain Significance.